The following is an entry in ClinVar:

ClinVar aggregate classification (germline): Conflicting classifications of pathogenicity. Review status: criteria provided, conflicting classifications (1 of 4 stars). 10 submissions from 10 submitters: Uncertain significance (8); Likely benign (2). Last evaluated 2026-01-27.

Conditions:
Hereditary nonpolyposis colorectal neoplasms. Identifiers: MedGen C0009405, MeSH D003123.
Hereditary cancer-predisposing syndrome. Also called: Hereditary neoplastic syndrome; Tumor predisposition; Hereditary Cancer Syndrome; Neoplastic Syndromes, Hereditary. Identifiers: Orphanet 140162, MedGen C0027672, MeSH D009386, MONDO:0015356.
Lynch syndrome 5 (LYNCH5). Also called: Colorectal cancer, hereditary nonpolyposis, type 5; Hereditary non-polyposis colorectal cancer, type 5. Identifiers: Orphanet 144, MedGen C1833477, MONDO:0013710, OMIM 614350. Disease mechanism: loss of function.

Allele frequency attached by ClinVar (database versions not stated): gnomAD exomes below 0.00001; ExAC 0.00001; TOPMed 0.00005.
gnomAD v4.1: 25 of 1,614,080 alleles (0.0015%); highest among the groups gnomAD compares: Middle Eastern, 0.33%; 1 homozygote.

Submissions (10):

Labcorp Genetics (formerly Invitae), Labcorp
Classification: Likely benign for Hereditary nonpolyposis colorectal neoplasms. Last evaluated: 2026-01-27. Review status: criteria provided, single submitter. Criteria: Invitae Variant Classification Sherloc (09022015). Collection method: clinical testing. Allele origin: germline.

Ambry Genetics
Classification: Uncertain significance for Hereditary cancer-predisposing syndrome. Last evaluated: 2025-06-15. Review status: criteria provided, single submitter. Criteria: Ambry Variant Classification Scheme 2023. Collection method: clinical testing. Allele origin: germline.
Comment: The p.I245L variant (also known as c.733A>T), located in coding exon 4 of the MSH6 gene, results from an A to T substitution at nucleotide position 733. The isoleucine at codon 245 is replaced by leucine, an amino acid with highly similar properties. This alteration has been reported in one family from Uruguay who met Amsterdam II criteria and/or Bethesda guidelines (Rossi BM et al. BMC Cancer, 2017 Sep;17:623). This amino acid position is not well conserved in available vertebrate species. In addition, this alteration is predicted to be tolerated by in silico analysis. Since supporting evidence is limited at this time, the clinical significance of this alteration remains unclear.

Color Diagnostics, LLC DBA Color Health
Classification: Likely benign for Hereditary cancer-predisposing syndrome. Last evaluated: 2025-03-11. Review status: criteria provided, single submitter. Criteria: ACMG Guidelines, 2015. Collection method: clinical testing. Allele origin: germline.

KCCC/NGS Laboratory, Kuwait Cancer Control Center
Classification: Uncertain significance for Lynch syndrome 5. Last evaluated: 2023-07-07. Review status: criteria provided, single submitter. Criteria: ACMG Guidelines, 2015. Collection method: clinical testing. Allele origin: unknown. Affected: yes.
Comment: This sequence change replaces isoleucine with leucine at codon 245 of the MSH6 protein (p.Ile245Leu). The isoleucine residue is weakly conserved and there is a small physicochemical difference between isoleucine and leucine. This variant is present in population databases (rs762168786, ExAC 0.002%). This variant has been reported in an individual affected with colorectal cancer in the Universal Mutation Database (PMID: 23729658) and in a family with suspected Lynch syndrome (PMID: 28874130). ClinVar has 5 entries for this mutation and all are listed as variant of unknown significance. An algorithm developed specifically for the MSH6 gene suggests that this missense change is likely to be tolerated (PMID: 23621914). However, this prediction has not been confirmed by published functional studies and its clinical significance is uncertain. In summary, the available evidence is currently insufficient to determine the role of this variant in disease. Therefore, it has been classified as a Variant of Uncertain Significance.

Revvity Omics, Revvity
Classification: Uncertain significance. Last evaluated: 2023-06-27. Review status: criteria provided, single submitter. Criteria: ACMG Guidelines, 2015. Collection method: clinical testing. Allele origin: germline.

GeneDx
Classification: Uncertain significance. Last evaluated: 2023-04-04. Review status: criteria provided, single submitter. Criteria: GeneDx Variant Classification Process June 2021. Collection method: clinical testing. Allele origin: germline. Affected: yes.
Comment: Not observed at significant frequency in large population cohorts (gnomAD); In silico analysis supports that this missense variant does not alter protein structure/function; This variant is associated with the following publications: (PMID: 23621914, 24123366, 23729658, 28874130, 30733081, 21437237, 31841383)

Quest Diagnostics Nichols Institute San Juan Capistrano
Classification: Uncertain significance. Last evaluated: 2018-05-14. Review status: criteria provided, single submitter. Criteria: Quest Diagnostics criteria. Collection method: clinical testing. Allele origin: unknown.

Women's Health and Genetics/Laboratory Corporation of America, LabCorp
Classification: Uncertain significance. Last evaluated: 2017-12-11. Review status: criteria provided, single submitter. Criteria: LabCorp Variant Classification Summary - May 2015. Collection method: clinical testing. Allele origin: germline.
Comment: Variant summary: The MSH6 c.733A>T (p.Ile245Leu) variant involves the alteration of a non-conserved nucleotide. 5/5 in silico tools used predict a benign outcome for this variant and the variant is located outside of any known functional domain, however no functional studies confirming these predictions have been published at the time of evaluation. This variant was found in 1/215148 control chromosomes at a frequency of 0.0000046, which does not exceed the maximal expected allele frequency of a pathogenic MSH6 variant (0.0001421). This variant has been reported in at least one LS patient without strong evidence supporting causality (Rossi_2017). In addition, multiple clinical diagnostic laboratories classified this variant as uncertain significance. Taken together, this variant is classified as VUS.

Illumina Laboratory Services, Illumina
Classification: Uncertain significance for Lynch syndrome 5. Last evaluated: 2017-04-27. Review status: criteria provided, single submitter. Criteria: ICSL Variant Classification Criteria 13 December 2019. Collection method: clinical testing. Allele origin: germline.

Breakthrough Genomics
Classification: Uncertain significance. Review status: criteria provided, single submitter. Criteria: ACMG Guidelines, 2015. Collection method: not provided. Allele origin: germline. Inheritance: Autosomal recessive inheritance. Affected: yes.

Literature cited by the submitters: PubMed 28874130 (cited by Ambry Genetics and Women's Health and Genetics/Laboratory Corporation of America, LabCorp); PubMed 30733081 (cited by Ambry Genetics); PubMed 31841383 (cited by Ambry Genetics); PubMed 23621914 (cited by Women's Health and Genetics/Laboratory Corporation of America, LabCorp).

NM_000179.3(MSH6):c.733A>T (p.Ile245Leu)

Gene: MSH6 (mutS homolog 6; plus strand). Cytogenetic location: 2p16.3.
Variant type: single nucleotide variant.
Coding change: c.733A>T on transcript NM_000179.3 (MANE Select); coding-DNA position 733, A replaced by T.
Protein change: p.Ile245Leu; replaces isoleucine 245 with leucine.
Molecular consequence: missense variant. On other transcripts: 5 prime UTR variant (2).
Genome position (GRCh38, 1-based): chr2:47,798,716, A>T. VCF-style: chr2-47798716-A-T. GRCh37 (hg19) VCF-style: chr2-48025855-A-T.
Other names: c.343A>T, p.Ile115Leu (NM_001281492.2); c.-174A>T (NM_001281493.2, NM_001281494.2); short protein forms I245L, I115L.
Identifiers: ClinVar variation 220143 (VCV000220143.35), dbSNP rs762168786, ClinGen allele CA073402.